The following is an entry in ClinVar:

NM_001199397.3(NEK1):c.1124A>G (p.Lys375Arg)

Gene: NEK1 (NIMA related kinase 1; minus strand). Cytogenetic location: 4q33.
Variant type: single nucleotide variant.
Coding change: c.1124A>G on transcript NM_001199397.3 (MANE Select); coding-DNA position 1124, A replaced by G.
Protein change: p.Lys375Arg; replaces lysine 375 with arginine.
Molecular consequence: missense variant. On other transcripts: non-coding transcript variant (2).
Genome position (GRCh38, 1-based): chr4:169,561,848, T>C on the plus strand (A>G on the coding strand, the complement: NEK1 is on the minus strand). VCF-style: chr4-169561848-T-C. GRCh37 (hg19) VCF-style: chr4-170482999-T-C.
Other names: c.1124A>G, p.Lys375Arg (NM_001374419.1, NM_001374420.1, NM_001374421.1 and 7 more transcripts); c.1124A>G (NM_012224.2); short protein forms K375R.
Identifiers: ClinVar variation 3637038 (VCV003637038.3).
Genomic context (GRCh38, chr4:169,561,848, plus strand): 5'-CTTAACAACTTGCCAAAGGTAGAAAAACAAGAGCAAAAAACTACCTGATCCTTTTGTTTC[T>C]TTTCTTTTTCAATAAATTCCAGCCTTCTCTTTCTTGCTGCTTCCTTAAATAAAAAAAAGA-3'
Protein context (NP_001186326.1, residues 365-385): KRRLEFIEKE[Lys375Arg]KQKDQIISLM

ClinVar aggregate classification (germline): Uncertain significance. Review status: criteria provided, multiple submitters, no conflicts (2 of 4 stars). 2 submissions from 2 submitters: Uncertain significance (2). Last evaluated 2026-01-09.

Conditions:
Inborn genetic diseases. Identifiers: MedGen C0950123, MeSH D030342.
Short-rib thoracic dysplasia 6 with or without polydactyly (SRTD6). Also called: POLYDACTYLY WITH NEONATAL CHONDRODYSTROPHY, TYPE II; Majewski Syndrome; SHORT-RIB THORACIC DYSPLASIA 6 WITH POLYDACTYLY; SHORT-RIB THORACIC DYSPLASIA 6 WITHOUT POLYDACTYLY; SHORT RIB-POLYDACTYLY SYNDROME, TYPE IIA. Identifiers: MedGen C0024507, MONDO:0009894, OMIM 263520.

gnomAD v4.1: 1 of 1,610,408 alleles (0.000062%); highest among the groups gnomAD compares: Non-Finnish European, 0.000085%; no homozygotes.

Submissions (2):

Ambry Genetics
Classification: Uncertain significance for Inborn genetic diseases. Last evaluated: 2026-01-09. Review status: criteria provided, single submitter. Criteria: Ambry Variant Classification Scheme 2023. Collection method: clinical testing. Allele origin: germline.

Labcorp Genetics (formerly Invitae), Labcorp
Classification: Uncertain significance for Short-rib thoracic dysplasia 6 with or without polydactyly. Last evaluated: 2024-07-16. Review status: criteria provided, single submitter. Criteria: Invitae Variant Classification Sherloc (09022015). Collection method: clinical testing. Allele origin: germline.
Comment: This sequence change replaces lysine, which is basic and polar, with arginine, which is basic and polar, at codon 375 of the NEK1 protein (p.Lys375Arg). This variant is not present in population databases (gnomAD no frequency). This variant has not been reported in the literature in individuals affected with NEK1-related conditions. Advanced modeling of protein sequence and biophysical properties (such as structural, functional, and spatial information, amino acid conservation, physicochemical variation, residue mobility, and thermodynamic stability) performed at Invitae indicates that this missense variant is not expected to disrupt NEK1 protein function with a negative predictive value of 95%. In summary, the available evidence is currently insufficient to determine the role of this variant in disease. Therefore, it has been classified as a Variant of Uncertain Significance.